The following is an entry in ClinVar:

ClinVar aggregate classification (germline): Pathogenic (1 of 4 stars; one submission).

Conditions:
T-cell immunodeficiency, congenital alopecia, and nail dystrophy. Also called: Congenital alopecia and nail dystrophy associated with severe functional T-cell immunodeficiency; Pignata Guarino syndrome. Identifiers: Orphanet 169095, MedGen C1866426, MONDO:0011132, OMIM 601705.

Submission:

Labcorp Genetics (formerly Invitae), Labcorp
Classification: Pathogenic for T-cell immunodeficiency, congenital alopecia, and nail dystrophy. Last evaluated: 2022-07-06. Review status: criteria provided, single submitter. Criteria: Invitae Variant Classification Sherloc (09022015). Collection method: clinical testing. Allele origin: germline.
Comment: This variant is not present in population databases (gnomAD no frequency). For these reasons, this variant has been classified as Pathogenic. This variant has not been reported in the literature in individuals affected with FOXN1-related conditions. This sequence change creates a premature translational stop signal (p.Arg482Profs*46) in the FOXN1 gene. It is expected to result in an absent or disrupted protein product. Loss-of-function variants in FOXN1 are known to be pathogenic (PMID: 10206641, 15180707, 31447097).

Literature cited by the submitters: PubMed 10206641; PubMed 15180707; PubMed 31447097.

NM_001369369.1(FOXN1):c.1445_1449delinsCCA (p.Arg482fs)

Gene: FOXN1 (forkhead box N1; plus strand). Cytogenetic location: 17q11.2.
Variant type: Indel.
Coding change: c.1445_1449delinsCCA on transcript NM_001369369.1 (MANE Select); coding-DNA positions 1445 to 1449, GGGCC replaced by CCA.
Protein change: p.Arg482fs; shifts the reading frame from arginine 482.
Molecular consequence: frameshift variant.
Genome position (GRCh38, 1-based): chr17:28,535,016-28,535,020, GGGCC replaced by CCA. VCF-style: chr17-28535016-GGGCC-CCA. GRCh37 (hg19) VCF-style: chr17-26862034-GGGCC-CCA.
Other names: c.1445_1449delinsCCA, p.Arg482fs (LRG_61t1); short protein forms R482fs.
Identifiers: ClinVar variation 576959 (VCV000576959.7), dbSNP rs1567887558, ClinGen allele CA891843586.